The following is an entry in ClinVar:

NC_012920.1(MT-ND6):m.14459G>A

Genes: MT-ND5 (mitochondrially encoded NADH dehydrogenase 5; plus strand), MT-ND6 (mitochondrially encoded NADH dehydrogenase 6; minus strand).
Variant type: single nucleotide variant.
Genome position: chrM-14459-G-A.
Identifiers: ClinVar variation 9689 (VCV000009689.20), dbSNP rs199476105, ClinGen allele CA120625.

ClinVar aggregate classification (germline): Pathogenic. Review status: reviewed by expert panel (3 of 4 stars). 15 submissions from 12 submitters: Pathogenic (1). 14 of the submissions do not count toward it. Last evaluated 2021-11-01.

Conditions:
Primary Mitochondrial Disorders. Identifiers: MedGen CN381104.
MT-ND6-related disorder.
Leigh syndrome due to mitochondrial complex I deficiency. Identifiers: MedGen C1838951.
Mitochondrial disease. Also called: Mitochondrial disorders; Mitochondrial disorder. Identifiers: Orphanet 68380, MedGen C0751651, MeSH D028361, MONDO:0044970.
Leber optic atrophy and dystonia. Also called: MARSDEN SYNDROME; LHON and dystonia; Dystonia familial, with visual failure and striatal lucencies; Leber's hereditary optic neuropathy with dystonia. Identifiers: Orphanet 99718, MedGen C1839040, MONDO:0010772, OMIM 500001.
Leigh syndrome (NULS). Also called: Leigh's necrotizing encephalopathy; Leigh's disease; Leigh's syndrome; Subacute necrotizing encephalopathy; Necrotizing encephalopathy infantile subacute of Leigh; Leigh Syndrome (mtDNA deletion). Identifiers: Orphanet 506, MedGen C2931891, MONDO:0009723, OMIM 256000.
Leber optic atrophy (LHON). Also called: Leber's disease; Leber's optic atrophy; Optic Atrophy, Hereditary, Leber; Leber hereditary optic neuropathy. Identifiers: Orphanet 104, MedGen C0917796, MONDO:0010788, OMIM 535000, HP:0001112.

Submissions (15):

ClinGen Mitochondrial Disease Nuclear and Mitochondrial  Variant Curation Expert Panel, ClinGen
Classification: Pathogenic for Mitochondrial disease. Last evaluated: 2021-11-01. Review status: reviewed by expert panel. Criteria: clingen mito disease acmg specifications v1-1. Collection method: curation. Allele origin: germline. Inheritance: Mitochondrial inheritance.
Comment: The m.14459G>A (p.A72V) variant in MT-ND6 was reviewed by the Mitochondrial Disease Nuclear and Mitochondrial Variant Curation Expert Panel as part of the variant pilot for mitochondrial DNA variant specifications (McCormick et al., 2020; PMID: 32906214). This variant has been reported in >16 individuals with primary mitochondrial disease with variable features ranging from Leber Hereditary Optic Neuropathy (LHON) with or without dystonia, Leigh syndrome, bilateral basal ganglia lesions, ataxia, and migraines (PS4; PMIDs: 8016139, 7654063, 16380132, 10894222, 14735584, 21749722, 14735585, 28503604, 32045392, 29408632, 22426787). This variant has been identified as a de novo occurrence in at least 2 probands with primary mitochondrial disease (PM6; PMIDs: 14735584, 10894222). This variant heteroplasmy level segregated with severity in six family members from four families (PP1_moderate; PMIDs: 22426787, 21749722, 7654063, 8016139). The computational predictor APOGEE gives a consensus rating of pathogenic with a score of 0.93 (Min=0, Max=1), which predicts a damaging effect on gene function (PP3). Cybrid studies supported the functional impact of this variant including a deficiency seen in patient cell line that was transferred to cybrids with a high mutant load and study was reproducible (PS3_supporting; PMID: 8622678). In summary, this variant meets criteria to be classified as pathogenic for primary mitochondrial disease inherited in a mitochondrial manner. This classification was approved by the NICHD U24 ClinGen Mitochondrial Disease Variant Curation Expert Panel as of August 20, 2020. Mitochondrial DNA-specific ACMG/AMP criteria applied: PS4, PM6, PP1_moderate, PP3, PS3_supporting.

3billion
Classification: Pathogenic for MT-ND6-related disorder. Last evaluated: 2025-12-15. Review status: criteria provided, single submitter. Criteria: ACMG Guidelines, 2015. Collection method: clinical testing. Allele origin: germline. Affected: yes. Not counted in ClinVar's aggregate classification.
Comment: The variant is observed at an extremely low frequency in the gnomAD v4.1.0 dataset (heteroplasmic allele frequency: 0.002%). Predicted Consequence/Location: Mitochondrial variant Functional studies provide supporting evidence of the variant having a damaging effect on the gene or gene product (PMID: 8622678). In silico tool predictions suggest damaging effect of the variant on gene or gene product [APOGEE2: 0.93 (>= 0.716)]. The same nucleotide change resulting in the same amino acid change has been previously reported as pathogenic/likely pathogenic with strong evidence (3billion dataset/ClinVar ID: VCV000009689). The variant has been previously reported as assumed (i.e. paternity and maternity not confirmed) de novo in at least two similarly affected unrelated individuals (PMID: 10894222, 14735584). Therefore, this variant is classified as Pathogenic according to the recommendation of ACMG/AMP guideline.

Variantyx, Inc.
Classification: Pathogenic for Primary mitochondrial disorders. Last evaluated: 2025-06-16. Review status: criteria provided, single submitter. Criteria: Variantyx Assertion Criteria 2022. Collection method: clinical testing. Allele origin: germline. Affected: yes. Not counted in ClinVar's aggregate classification.
Comment: The m.14459G>A, c.215C>T, p.Ala72Val change is a nonsynonymous variant in the MT-ND6 gene. Pathogenic variants in this gene have been associated with primary mitochondrial disorders. This variant has been reported in several unrelated affected individuals (PMID: 8016139, 7654063, 16380132, 10894222, 14735584, 21749722, 14735585, 28503604, 32045392, 29408632, 22426787) (PS4) and it has been observed to segregate with disease in at least 3 individuals from 2 families. Unaffected family members may have lower to undetectable levels of the variant (PMID: 11133798 , 8016139, 7654063) (PP1). Functional studies demonstrate a deleterious effect for this variant (PMID: 8622678) (PS3_Moderate), supported by computational algorithms (PP3). This variant is absent from control populations (PM2). Other reputable laboratories have reported this variant as pathogenic or likely pathogenic, and this classification has been validated by an expert panel in ClinVar (PP5). Based on the current evidence, this variant is classified as pathogenic for primary mitochondrial disorders.

Clinical Genetics Laboratory, Skane University Hospital Lund
Classification: Pathogenic. Last evaluated: 2023-09-18. Review status: criteria provided, single submitter. Criteria: ACMG Guidelines, 2015. Collection method: clinical testing. Allele origin: germline. Affected: yes. Not counted in ClinVar's aggregate classification.

Mendelics
Classification: Pathogenic for Leber optic atrophy. Last evaluated: 2022-05-04. Review status: criteria provided, single submitter. Criteria: Mendelics Assertion Criteria 2019. Collection method: clinical testing. Allele origin: germline. Not counted in ClinVar's aggregate classification.

Breda Genetics srl
Classification: Pathogenic for Leigh syndrome. Last evaluated: 2021-02-11. Review status: criteria provided, single submitter. Criteria: ACMG Guidelines, 2015. Collection method: clinical testing. Allele origin: maternal. Inheritance: Mitochondrial inheritance. Affected: yes. Observed: 1 variant allele, 1 homozygote. Not counted in ClinVar's aggregate classification.
Comment: The variant m.14459G> A (p.Ala72Val) in the MT-ND6 gene is reported as pathogenic for Leigh syndrome and Leber hereditary optic neuropathy (LHON) in ClinVar (Variation ID: 9689) and is cited as pathogenic mutation in MITOMAP. The variant was identified in three out of 51836 sequences of the entire mitochondrial DNA (frequency 0.006%, GenBank, MITOMAP). This variant has previously been reported in patients with phenotypes ranging from Leigh or Leigh-like syndrome to Leber Hereditary Optic Neuropathy (LHON) plus dystonia, pure dystonia, pure LHON, or clinically asymptomatic. Jun et al. (1994) identified the variant m.14459G> A in heteroplasmy in a family with LHON and dystonia. Shoffner et al. (1995) identified the m.14459G> A mutation in a mother and daughter with isolated LHON (the daughter also had unilateral basal ganglia lesions on MRI). Kirby et al. (2000) identified the homoplasmic variant m.14459G> A in 3 patients with Leigh syndrome in whom there was no evidence of LHON or dystonia. Gropman and colleagues (2004) identified the m.14459G> A variant in a family with a broad spectrum of clinical manifestations. The proband presented with anarthria, dystonia, spasticity, and mild encephalopathy; MRI showed symmetrical and bilateral hyperintense lesions in the basal ganglia associated with cerebral and systemic lactic acidosis. Among other family members with the mutation, some were asymptomatic and others were symptomatic with varying clinical and laboratory characteristics, confirming the heterogeneous phenotype of this mutation even within the same family (OMIM * 516006).

Wong Mito Lab, Molecular and Human Genetics, Baylor College of Medicine
Classification: Pathogenic for Leigh syndrome. Last evaluated: 2019-10-17. Review status: criteria provided, single submitter. Criteria: Modified ACMG Guidelines (Unpublished). Collection method: clinical testing. Allele origin: germline. Not counted in ClinVar's aggregate classification.
Comment: The NC_012920.1:m.14459G>A (YP_003024037.1:p.Ala72Val) variant in MTND6 gene is interpretated to be a Pathogenic variant based on the modified ACMG guidelines (unpublished). This variant meets the following evidence codes: PS1, PM9, PM10, PP4, PP6

Molecular Genetics Laboratory, BC Children's and BC Women's Hospitals
Classification: Pathogenic for Leigh syndrome. Last evaluated: 2026-04-01. Review status: no assertion criteria provided. Criteria: ACMG Guidelines, 2015. Collection method: clinical testing. Allele origin: unknown. Affected: yes. Not counted in ClinVar's aggregate classification.

Clinical Genetics Laboratory, University Hospital Schleswig-Holstein
Classification: Pathogenic. Last evaluated: 2024-04-02. Review status: no assertion criteria provided. Collection method: clinical testing. Allele origin: germline. Affected: yes. Not counted in ClinVar's aggregate classification.

OMIM
Classification: Pathogenic for LEBER OPTIC ATROPHY AND DYSTONIA. Last evaluated: 2006-04-15. Review status: no assertion criteria provided. Collection method: literature only. Allele origin: germline. Not counted in ClinVar's aggregate classification.

OMIM
Classification: Pathogenic for LEBER OPTIC ATROPHY. Last evaluated: 2006-04-15. Review status: no assertion criteria provided. Collection method: literature only. Allele origin: germline. Not counted in ClinVar's aggregate classification.

OMIM
Classification: Pathogenic for LEIGH SYNDROME DUE TO MITOCHONDRIAL COMPLEX I DEFICIENCY. Last evaluated: 2006-04-15. Review status: no assertion criteria provided. Collection method: literature only. Allele origin: germline. Not counted in ClinVar's aggregate classification.

GeneReviews
No classification provided. Condition: Leber optic atrophy. Review status: no classification provided. Collection method: literature only. Allele origin: maternal. Not counted in ClinVar's aggregate classification.
Comment: This mitochondrial DNA variant affects function. It hase been identified in at least two independent LHON pedigrees and segregates with affected disease status.

GeneReviews
No classification provided. Condition: Leigh syndrome. Review status: no classification provided. Collection method: literature only. Allele origin: germline. Not counted in ClinVar's aggregate classification.

Genomics England Pilot Project, Genomics England
Classification: Pathogenic for Leber optic atrophy. Review status: no assertion criteria provided. Criteria: ACGS Guidelines, 2016. Collection method: clinical testing. Allele origin: germline. Affected: yes. Not counted in ClinVar's aggregate classification.

Literature cited by the submitters: PubMed 10894222 (cited by 3billion and OMIM); PubMed 8622678 (cited by 3billion and Wong Mito Lab, Molecular and Human Genetics, Baylor College of Medicine); PubMed 32045392 (cited by 3billion); PubMed 22426787 (cited by 3billion); PubMed 28503604 (cited by 3billion); PubMed 16380132 (cited by 3billion and OMIM); PubMed 7654063 (cited by 3billion and OMIM); PubMed 14735585 (cited by 3billion and OMIM); PubMed 21749722 (cited by 3billion); PubMed 14735584 (cited by 3billion); PubMed 29408632 (cited by 3billion); PubMed 8016139 (cited by 3 submitters); PubMed 26506407 (cited by Clinical Genetics Laboratory, University Hospital Schleswig-Holstein); PubMed 30143805 (cited by GeneReviews); PubMed 20301353 (cited by GeneReviews); NCBI Bookshelf NBK1173 (cited by GeneReviews).